The following is an entry in ClinVar:

ClinVar aggregate classification (germline): Benign (1 of 4 stars; one submission).

Allele frequency attached by ClinVar (database versions not stated): gnomAD exomes 0.01182; gnomAD 0.03888 and 0.04084; 1000 Genomes Project 0.41434.
gnomAD v4.1: 6,474 of 348,614 alleles (1.9%); highest among the groups gnomAD compares: African/African-American, 13%; 439 homozygotes.

Submission:

GeneDx
Classification: Benign. Last evaluated: 2018-06-14. Review status: criteria provided, single submitter. Criteria: GeneDx Variant Classification (06012015). Collection method: clinical testing. Allele origin: germline. Affected: yes.
Comment: This variant is considered likely benign or benign based on one or more of the following criteria: it is a conservative change, it occurs at a poorly conserved position in the protein, it is predicted to be benign by multiple in silico algorithms, and/or has population frequency not consistent with disease.

NM_022114.4(PRDM16):c.3697-146T>C

Gene: PRDM16 (PR/SET domain 16; plus strand). Cytogenetic location: 1p36.32.
Variant type: single nucleotide variant.
Coding change: c.3697-146T>C on transcript NM_022114.4 (MANE Select); 146 bases into the intron before coding-DNA position 3697, T replaced by C.
Molecular consequence: intron variant.
Genome position (GRCh38, 1-based): chr1:3,433,531, T>C. VCF-style: chr1-3433531-T-C. GRCh37 (hg19) VCF-style: chr1-3350095-T-C.
Other names: c.3697-203T>C (NM_199454.3).
Identifiers: ClinVar variation 674737 (VCV000674737.1), dbSNP rs28551116, ClinGen allele CA16992847.
Genomic context (GRCh38, chr1:3,433,531, plus strand): 5'-CCTGCCCATCTGCTGCCTGTCTGGGATGGCCCGCCCTGCCCACGCGCTCACCTGCCTGTC[T>C]GGGATGGCCCGCCCTGCCCACGCGCTCACCTGCCTGTCTGGGATGGCCCGCCCTGCCCAC-3'